The following is an entry in ClinVar:

ClinVar aggregate classification (germline): Uncertain significance (1 of 4 stars; one submission).

Conditions:
SMCHD1-related disorder. Also called: SMCHD1-related condition.

Submission:

PreventionGenetics, part of Exact Sciences
Classification: Uncertain significance for SMCHD1-related condition. Last evaluated: 2023-03-23. Review status: criteria provided, single submitter. Criteria: ACMG Guidelines, 2015. Collection method: clinical testing. Allele origin: germline.
Comment: The SMCHD1 c.4718T>C variant is predicted to result in the amino acid substitution p.Met1573Thr. To our knowledge, this variant has not been reported in the literature or in a large population database, indicating this variant is rare. At this time, the clinical significance of this variant is uncertain due to the absence of conclusive functional and genetic evidence.

NM_015295.3(SMCHD1):c.4718T>C (p.Met1573Thr)

Gene: SMCHD1 (structural maintenance of chromosomes flexible hinge domain containing 1; plus strand). Cytogenetic location: 18p11.32.
Variant type: single nucleotide variant.
Coding change: c.4718T>C on transcript NM_015295.3 (MANE Select); coding-DNA position 4718, T replaced by C.
Protein change: p.Met1573Thr; replaces methionine 1573 with threonine.
Molecular consequence: missense variant.
Genome position (GRCh38, 1-based): chr18:2,763,788, T>C. VCF-style: chr18-2763788-T-C. GRCh37 (hg19) VCF-style: chr18-2763786-T-C.
Other names: short protein forms M1573T.
Identifiers: ClinVar variation 2633590 (VCV002633590.1), dbSNP rs1289293152, ClinGen allele CA401697651.